The following is an entry in ClinVar:

NM_002878.4(RAD51D):c.619T>C (p.Ser207Pro)

Genes: RAD51L3-RFFL (RAD51L3-RFFL readthrough; minus strand), RAD51D (RAD51 paralog D; minus strand). Cytogenetic location: 17q12.
Variant type: single nucleotide variant.
Coding change: c.619T>C on transcript NM_002878.4 (MANE Select); coding-DNA position 619, T replaced by C.
Protein change: p.Ser207Pro; replaces serine 207 with proline.
Molecular consequence: missense variant. On other transcripts: non-coding transcript variant (3).
Genome position (GRCh38, 1-based): chr17:35,103,502, A>G on the plus strand (T>C on the coding strand, the complement: RAD51D is on the minus strand). VCF-style: chr17-35103502-A-G. GRCh37 (hg19) VCF-style: chr17-33430521-A-G.
Other names: c.679T>C, p.Ser227Pro (NM_001142571.2); c.283T>C, p.Ser95Pro (NM_133629.3); c.283T>C (NM_133629.2); short protein forms S207P, S95P, S227P.
Identifiers: ClinVar variation 229719 (VCV000229719.30), dbSNP rs372365287, ClinGen allele CA10580452.

ClinVar aggregate classification (germline): Conflicting classifications of pathogenicity. Review status: criteria provided, conflicting classifications (1 of 4 stars). 9 submissions from 9 submitters: Likely pathogenic (1); Uncertain significance (8). Last evaluated 2026-01-31.

Conditions:
Familial ovarian cancer. Identifiers: MedGen C5679802, MONDO:0016248.
Hereditary cancer-predisposing syndrome. Also called: Hereditary neoplastic syndrome; Hereditary Cancer Syndrome; Neoplastic Syndromes, Hereditary; Tumor predisposition. Identifiers: Orphanet 140162, MedGen C0027672, MeSH D009386, MONDO:0015356.
Breast-ovarian cancer, familial, susceptibility to, 4. Identifiers: Orphanet 145, MedGen C3280345, MONDO:0013669, OMIM 614291.
Breast cancer, susceptibility to. Identifiers: MedGen C3469522. Disease mechanism: gain of function.
Hereditary breast ovarian cancer syndrome. Also called: Hereditary breast and ovarian cancer syndrome; Hereditary breast and ovarian cancer syndrome (HBOC); Breast and ovarian cancer; Hereditary breast and/or ovarian cancer syndrome; Hereditary breast and ovarian cancer; BRCA1- and BRCA2-Associated Hereditary Breast and Ovarian Cancer. Identifiers: Orphanet 145, MedGen C0677776, MeSH D061325, MONDO:0003582. Disease mechanism: loss of function.

Allele frequency attached by ClinVar (database versions not stated): gnomAD exomes below 0.00001 and 0.00001; gnomAD 0.00001.

Submissions (9):

Labcorp Genetics (formerly Invitae), Labcorp
Classification: Uncertain significance for Breast-ovarian cancer, familial, susceptibility to, 4. Last evaluated: 2026-01-31. Review status: criteria provided, single submitter. Criteria: Invitae Variant Classification Sherloc (09022015). Collection method: clinical testing. Allele origin: germline.
Comment: This sequence change replaces serine, which is neutral and polar, with proline, which is neutral and non-polar, at codon 207 of the RAD51D protein (p.Ser207Pro). This variant is present in population databases (rs372365287, gnomAD 0.01%). This variant has not been reported in the literature in individuals affected with RAD51D-related conditions. ClinVar contains an entry for this variant (Variation ID: 229719). Invitae Evidence Modeling of protein sequence and biophysical properties (such as structural, functional, and spatial information, amino acid conservation, physicochemical variation, residue mobility, and thermodynamic stability) has been performed for this missense variant. However, the output from this modeling did not meet the statistical confidence thresholds required to predict the impact of this variant on RAD51D protein function. This variant disrupts the p.Ser207 amino acid residue in RAD51D. Other variant(s) that disrupt this residue have been determined to be pathogenic (PMID: 21822267, 22986143, 26845104, 26976419, 28646019). This suggests that this residue is clinically significant, and that variants that disrupt this residue are likely to be disease-causing. In summary, the available evidence is currently insufficient to determine the role of this variant in disease. Therefore, it has been classified as a Variant of Uncertain Significance.

Ambry Genetics
Classification: Uncertain significance for Hereditary cancer-predisposing syndrome. Last evaluated: 2025-06-17. Review status: criteria provided, single submitter. Criteria: Ambry Variant Classification Scheme 2023. Collection method: clinical testing. Allele origin: germline.
Comment: The p.S207P variant (also known as c.619T>C), located in coding exon 7 of the RAD51D gene, results from a T to C substitution at nucleotide position 619. The serine at codon 207 is replaced by proline, an amino acid with similar properties. This variant was identified in 1/177 individuals with pancreatic ductal adenocarcinoma undergoing multi-gene panel testing (Cremin C et al. Cancer Med, 2020 Jun;9:4004-4013). This variant was also identified in a cohort of 376 women with breast cancer (Osler TS et al. Breast Cancer Res Treat, 2025 Apr;210:477-486). This amino acid position is highly conserved in available vertebrate species. In addition, this alteration is predicted to be deleterious by in silico analysis. Based on the available evidence, the clinical significance of this variant remains unclear.

Clinical Genetics Laboratory, Skane University Hospital Lund
Classification: Uncertain significance for Breast cancer, susceptibility to. Last evaluated: 2025-05-14. Review status: criteria provided, single submitter. Criteria: ACMG Guidelines, 2015. Collection method: clinical testing. Allele origin: germline. Affected: yes.
Comment: ACMG-criteria applied: PM2, PM5, PP3

Molecular Pathology, Peter Maccallum Cancer Centre
Classification: Uncertain significance for Familial ovarian cancer. Last evaluated: 2024-07-16. Review status: criteria provided, single submitter. Criteria: ACMG Guidelines, 2015. Collection method: clinical testing. Allele origin: germline. Inheritance: Autosomal dominant inheritance.

Color Diagnostics, LLC DBA Color Health
Classification: Uncertain significance for Hereditary cancer-predisposing syndrome. Last evaluated: 2024-04-22. Review status: criteria provided, single submitter. Criteria: ACMG Guidelines, 2015. Collection method: clinical testing. Allele origin: germline.
Comment: This missense variant replaces serine with proline at codon 207 in the ATPase domain of the RAD51D protein. The RAD51D ATPase motif is required for resistance to DNA cross-linking agents and for interaction with RAD51C in homologous recombination (PMID: 16236763). This variant is located in the conserved Walker B motif that contributes a glutamic acid residue hydrolyzing ATP in the ATPase domain (PMID: 27941862, 37344587). This variant substitutes the conserved serine (residue 207) adjacent to the catalytic glutamic acid (residue 206) to proline in the RAD51D ATPase domain. Computational prediction suggests that this variant may have deleterious impact on protein structure and function. To our knowledge, functional studies have not been reported for this variant. This variant has been reported in an individual affected with pancreatic ductal adenocarcinoma (PMID: 32255556). This variant has been identified in 3/282824 chromosomes in the general population by the Genome Aggregation Database (gnomAD). A different variant affecting the same codon (p.Ser207Leu) is considered to be disease-causing (ClinVar Variation ID: 142102), suggesting that serine at this position is important for protein structure and function. Although there is a suspicion that this variant may be associated with disease, additional studies are necessary to determine the role of this variant in disease conclusively. Therefore, this variant is classified as a Variant of Uncertain Significance.

GeneDx
Classification: Uncertain significance. Last evaluated: 2024-03-19. Review status: criteria provided, single submitter. Criteria: GeneDx Variant Classification Process June 2021. Collection method: clinical testing. Allele origin: germline. Affected: yes.
Comment: Not observed at significant frequency in large population cohorts (gnomAD); In silico analysis supports that this missense variant has a deleterious effect on protein structure/function; Observed in an individual with pancreatic ductal adenocarcinoma who also harbored missense variants in other potentially relevant genes (PMID: 32255556); This variant is associated with the following publications: (PMID: 21111057, 14704354, 16717288, 32255556)

Baylor Genetics
Classification: Uncertain significance for Breast-ovarian cancer, familial, susceptibility to, 4. Last evaluated: 2024-02-13. Review status: criteria provided, single submitter. Criteria: ACMG Guidelines, 2015. Collection method: clinical testing. Allele origin: unknown.

KCCC/NGS Laboratory, Kuwait Cancer Control Center
Classification: Likely pathogenic for Breast-ovarian cancer, familial, susceptibility to, 4. Last evaluated: 2023-05-15. Review status: criteria provided, single submitter. Criteria: ACMG Guidelines, 2015. Collection method: clinical testing. Allele origin: unknown. Affected: yes.
Comment: A likely pathogenic mutation was detected in the RAD51D gene (c.283T>C). This sequence change replaces serine, which is neutral and polar, with proline, which is neutral and non-polar, at codon 95 of the RAD51D protein (p.Ser95Pro). This variant is present in population databases (rs372365287, gnomAD 0.01%). This variant has not been reported in the literature in individuals affected with RAD51D-related conditions. ClinVar contains an entry for this variant (Variation ID: 229719). Computational prediction suggests that this variant may have deleterious impact on protein structure and function . This variant disrupts the p.Ser95 amino acid residue in RAD51D. A different variant affecting the same codon position (p.Ser95Leu) is considered to be disease-causing (ClinVar variation ID: 142102), suggesting that serine at this position is important for protein structure and function (PMID: 21822267, 22986143, 26845104, 26976419, 28646019). In summary, the currently available evidence indicates that the variant is pathogenic, but additional data are needed to prove that conclusively. Therefore, this variant has been classified as Likely Pathogenic. Pathogenic mutations in the RAD51D gene are associated with Breast-ovarian cancer, familial, susceptibility to, 4 (OMIM 614291 ).

Department of Pathology and Laboratory Medicine, Sinai Health System
Classification: Uncertain significance for Hereditary breast ovarian cancer syndrome. Last evaluated: 2022-07-19. Review status: criteria provided, single submitter. Criteria: ACMG Guidelines, 2015. Collection method: clinical testing. Allele origin: germline. Affected: yes.

Literature cited by the submitters: PubMed 21822267 (cited by Labcorp Genetics (formerly Invitae), Labcorp); PubMed 22986143 (cited by Labcorp Genetics (formerly Invitae), Labcorp); PubMed 26845104 (cited by Labcorp Genetics (formerly Invitae), Labcorp); PubMed 26976419 (cited by Labcorp Genetics (formerly Invitae), Labcorp); PubMed 28646019 (cited by Labcorp Genetics (formerly Invitae), Labcorp); PubMed 32255556 (cited by Ambry Genetics and Color Diagnostics, LLC DBA Color Health); PubMed 39776011 (cited by Ambry Genetics); PubMed 16236763 (cited by Color Diagnostics, LLC DBA Color Health); PubMed 27941862 (cited by Color Diagnostics, LLC DBA Color Health); PubMed 37344587 (cited by Color Diagnostics, LLC DBA Color Health).